The following is an entry in ClinVar:

ClinVar aggregate classification (germline): Likely benign. Review status: criteria provided, multiple submitters, no conflicts (2 of 4 stars). 5 submissions from 5 submitters: Likely benign (5). Last evaluated 2025-12-24.

Conditions:
Hereditary cancer-predisposing syndrome. Also called: Hereditary neoplastic syndrome; Tumor predisposition; Neoplastic Syndromes, Hereditary; Hereditary Cancer Syndrome. Identifiers: Orphanet 140162, MedGen C0027672, MeSH D009386, MONDO:0015356.
Peutz-Jeghers syndrome (PJS). Also called: Peutz-Jeghers polyposis; Periorificial lentiginosis syndrome; POLYPOSIS, HAMARTOMATOUS INTESTINAL; POLYPS-AND-SPOTS SYNDROME. Identifiers: Orphanet 2869, MedGen C0031269, MeSH D010580, MONDO:0008280, OMIM 175200.

Allele frequency attached by ClinVar (database versions not stated): TOPMed 0.00002; gnomAD 0.00003.
gnomAD v4.1: 3 of 1,611,214 alleles (0.00019%); highest among the groups gnomAD compares: Non-Finnish European, 0.00025%; no homozygotes.

Submissions (5):

Labcorp Genetics (formerly Invitae), Labcorp
Classification: Likely benign for Peutz-Jeghers syndrome. Last evaluated: 2025-12-24. Review status: criteria provided, single submitter. Criteria: Invitae Variant Classification Sherloc (09022015). Collection method: clinical testing. Allele origin: germline.

Myriad Genetics, Inc.
Classification: Likely benign for Peutz-Jeghers syndrome. Last evaluated: 2025-03-27. Review status: criteria provided, single submitter. Criteria: Myriad Autosomal Dominant, Autosomal Recessive and X-Linked Classification Criteria (2023). Collection method: clinical testing. Allele origin: unknown.
Comment: This variant is considered likely benign. This variant is intronic and is not expected to impact mRNA splicing.

All of Us Research Program, National Institutes of Health
Classification: Likely benign for Peutz-Jeghers syndrome. Last evaluated: 2023-05-31. Review status: criteria provided, single submitter. Criteria: ACMG Guidelines, 2015. Collection method: clinical testing. Allele origin: germline. Inheritance: Autosomal dominant inheritance. Observed: 2 variant alleles, 2 heterozygotes.
Comment: This study involves interpretation of variants in research participants for the purpose of population health screening. Participant phenotype was not available at the time of variant classification. Additional details can be found in publication PMID: 35346344, PMCID: PMC8962531

GeneDx
Classification: Likely benign. Last evaluated: 2018-06-11. Review status: criteria provided, single submitter. Criteria: GeneDx Variant Classification Process June 2021. Collection method: clinical testing. Allele origin: germline. Affected: yes.

Color Diagnostics, LLC DBA Color Health
Classification: Likely benign for Hereditary cancer-predisposing syndrome. Last evaluated: 2017-06-06. Review status: criteria provided, single submitter. Criteria: ACMG Guidelines, 2015. Collection method: clinical testing. Allele origin: germline.

NM_000455.5(STK11):c.735-9G>C

Gene: STK11 (serine/threonine kinase 11; plus strand). Cytogenetic location: 19p13.3.
Variant type: single nucleotide variant.
Coding change: c.735-9G>C on transcript NM_000455.5 (MANE Select); 9 bases into the intron before coding-DNA position 735, G replaced by C.
Molecular consequence: intron variant.
Genome position (GRCh38, 1-based): chr19:1,221,204, G>C. VCF-style: chr19-1221204-G-C. GRCh37 (hg19) VCF-style: chr19-1221203-G-C.
Identifiers: ClinVar variation 379151 (VCV000379151.18), dbSNP rs201899557, ClinGen allele CA16608828.